The following is an entry in ClinVar:

NM_000552.5(VWF):c.7604G>C (p.Arg2535Pro)

Gene: VWF (von Willebrand factor; minus strand). Cytogenetic location: 12p13.31.
Variant type: single nucleotide variant.
Coding change: c.7604G>C on transcript NM_000552.5 (MANE Select); coding-DNA position 7604, G replaced by C.
Protein change: p.Arg2535Pro; replaces arginine 2535 with proline.
Molecular consequence: missense variant.
Genome position (GRCh38, 1-based): chr12:5,969,336, C>G on the plus strand (G>C on the coding strand, the complement: VWF is on the minus strand). VCF-style: chr12-5969336-C-G. GRCh37 (hg19) VCF-style: chr12-6078502-C-G.
Other names: short protein forms R2535P.
Identifiers: ClinVar variation 3767041 (VCV003767041.1).

ClinVar aggregate classification (germline): Uncertain significance (1 of 4 stars; one submission).

gnomAD v4.1: 4 of 1,614,182 alleles (0.00025%); highest among the groups gnomAD compares: Non-Finnish European, 0.00034%; no homozygotes.

Submission:

ARUP Laboratories, Molecular Genetics and Genomics, ARUP Laboratories
Classification: Uncertain significance. Last evaluated: 2023-12-18. Review status: criteria provided, single submitter. Criteria: ARUP Molecular Germline Variant Investigation Process 2024. Collection method: clinical testing. Allele origin: germline.
Comment: The VWF c.7604G>C; p.Arg2535Pro variant is reported in the literature in an individual affected with type I von Willebrand Disease (Veyradier 2016). This variant is absent from the Genome Aggregation Database (v2.1.1), indicating it is not a common polymorphism. Computational analyses are uncertain whether this variant is neutral or deleterious (REVEL: 0.284). Due to limited information, the clinical significance of this variant is uncertain at this time. References: Veyradier A et al. A Laboratory Phenotype/Genotype Correlation of 1167 French Patients From 670 Families With von Willebrand Disease: A New Epidemiologic Picture. Medicine (Baltimore). 2016 Mar;95(11):e3038. PMID: 26986123.